The following is an entry in ClinVar:

ClinVar aggregate classification (germline): Conflicting classifications of pathogenicity. Review status: criteria provided, conflicting classifications (1 of 4 stars). 2 submissions from 2 submitters: Likely pathogenic (1); Uncertain significance (1). Last evaluated 2026-01-26.

Conditions:
Juvenile polyposis syndrome (JPS). Identifiers: Orphanet 2929, MedGen C0345893, MONDO:0017380, OMIM 174900.

Submissions (2):

University of Washington Department of Laboratory Medicine, University of Washington
Classification: Likely pathogenic for Juvenile polyposis syndrome. Last evaluated: 2026-01-26. Review status: criteria provided, single submitter. Criteria: Shirts BH et al. (Am J Hum Genet 2018). Collection method: clinical testing. Allele origin: germline. Affected: yes.
Comment: We classify the SMAD4 c.1156G>A (p.Gly386Ser) variant as likely pathogenic based on internal evidence. Tissue testing was performed on two independent polyps from this individual. Each polyp demonstrated biallelic inactivation of SMAD4, consistent with a classic two-hit tumor suppressor mechanism. Specifically, each polyp harbored an independent somatic SMAD4 mutation, along with an additional pathogenic mosaic deletion spanning exons 5–12 of SMAD4, confirming double somatic hits in each tumor. This tumor molecular profile provides strong functional evidence supporting pathogenicity of the germline variant. The use of tumor molecular features and somatic evidence to inform germline variant classification has been described in the literature (Shirts et al., 2018. Genet Med. PMID: 29887214). The c.1156G>A variant results in substitution of glycine with serine at codon 386. This residue lies within a highly constrained and functionally important region of SMAD4. Other missense variants affecting the same amino acid residue (e.g., p.Gly386Asp) have been reported as pathogenic in individuals with SMAD4-related conditions (VCV000008545.3; PMID: 12116240, 24001356), supporting PM5_supporting. SMAD4 is a gene in which missense variation is a well-established disease mechanism and benign missense variation is rare, supporting PP2_supporting. This variant is absent from large population databases, including gnomAD (v4.0.0), meeting PM2_supporting. Computational prediction tools suggest a deleterious effect on protein structure and function, supporting PP3. Additionally, this variant has been reported in individuals with juvenile polyposis and/or hereditary hemorrhagic telangiectasia, with evidence of segregation in affected relatives (PMIDs: 24001356, 36038259, 36531685), further supporting pathogenicity. The combination of a highly specific clinical phenotype, concordant biallelic somatic inactivation of SMAD4 in multiple tumors, absence from population databases, codon-specific prior pathogenic evidence, and supportive computational and literature data strongly supports classification of SMAD4 c.1156G>A (p.Gly386Ser) as likely pathogenic.

Labcorp Genetics (formerly Invitae), Labcorp
Classification: Uncertain significance for Juvenile polyposis syndrome. Last evaluated: 2024-06-16. Review status: criteria provided, single submitter. Criteria: Invitae Variant Classification Sherloc (09022015). Collection method: clinical testing. Allele origin: germline.
Comment: This sequence change replaces glycine, which is neutral and non-polar, with serine, which is neutral and polar, at codon 386 of the SMAD4 protein (p.Gly386Ser). This variant is not present in population databases (gnomAD no frequency). This missense change has been observed in individual(s) with 24001356 and/or hereditary hemorrhagic telangiectasia (PMID: 24001356, 36038259, 36531685). It has also been observed to segregate with disease in related individuals. ClinVar contains an entry for this variant (Variation ID: 376538). Advanced modeling of protein sequence and biophysical properties (such as structural, functional, and spatial information, amino acid conservation, physicochemical variation, residue mobility, and thermodynamic stability) has been performed at Invitae for this missense variant, however the output from this modeling did not meet the statistical confidence thresholds required to predict the impact of this variant on SMAD4 protein function. This variant disrupts the p.Gly386 amino acid residue in SMAD4. Other variant(s) that disrupt this residue have been observed in individuals with SMAD4-related conditions (PMID: 12116240, 24001356), which suggests that this may be a clinically significant amino acid residue. In summary, the available evidence is currently insufficient to determine the role of this variant in disease. Therefore, it has been classified as a Variant of Uncertain Significance.

Literature cited by the submitters: PubMed 12116240 (cited by University of Washington Department of Laboratory Medicine, University of Washington and Labcorp Genetics (formerly Invitae), Labcorp); PubMed 24001356 (cited by University of Washington Department of Laboratory Medicine, University of Washington and Labcorp Genetics (formerly Invitae), Labcorp); PubMed 36038259 (cited by University of Washington Department of Laboratory Medicine, University of Washington and Labcorp Genetics (formerly Invitae), Labcorp); PubMed 36531685 (cited by University of Washington Department of Laboratory Medicine, University of Washington and Labcorp Genetics (formerly Invitae), Labcorp).

NM_005359.6(SMAD4):c.1156G>A (p.Gly386Ser)

Gene: SMAD4 (SMAD family member 4; plus strand). Cytogenetic location: 18q21.2.
Variant type: single nucleotide variant.
Coding change: c.1156G>A on transcript NM_005359.6 (MANE Select); coding-DNA position 1156, G replaced by A.
Protein change: p.Gly386Ser; replaces glycine 386 with serine.
Molecular consequence: missense variant.
Genome position (GRCh38, 1-based): chr18:51,067,035, G>A. VCF-style: chr18-51067035-G-A. GRCh37 (hg19) VCF-style: chr18-48593405-G-A.
Other names: short protein forms G386S.
Identifiers: ClinVar variation 3723142 (VCV003723142.3), dbSNP rs1057519962.